The following is an entry in ClinVar:

ClinVar aggregate classification (germline): Uncertain significance (1 of 4 stars; one submission).

gnomAD v4.1: 4 of 1,581,574 alleles (0.00025%); highest among the groups gnomAD compares: Non-Finnish European, 0.00026%; no homozygotes.

Submission:

Ambry Genetics
Classification: Uncertain significance. Last evaluated: 2025-05-25. Review status: criteria provided, single submitter. Criteria: Ambry Variant Classification Scheme 2023. Collection method: clinical testing. Allele origin: germline.
Comment: The p.V212L variant (also known as c.634G>C), located in coding exon 6 of the RAD51B gene, results from a G to C substitution at nucleotide position 634. The valine at codon 212 is replaced by leucine, an amino acid with highly similar properties. This amino acid position is conserved. In addition, this alteration is predicted to be tolerated by in silico analysis. Based on the available evidence, the clinical significance of this variant remains unclear.

NM_133510.4(RAD51B):c.634G>C (p.Val212Leu)

Gene: RAD51B (RAD51 paralog B; plus strand). Cytogenetic location: 14q24.1.
Variant type: single nucleotide variant.
Coding change: c.634G>C on transcript NM_133510.4 (MANE Select); coding-DNA position 634, G replaced by C.
Protein change: p.Val212Leu; replaces valine 212 with leucine.
Molecular consequence: missense variant.
Genome position (GRCh38, 1-based): chr14:67,887,082, G>C. VCF-style: chr14-67887082-G-C. GRCh37 (hg19) VCF-style: chr14-68353799-G-C.
Other names: c.634G>C, p.Val212Leu (NM_001321809.2, NM_001321810.2, NM_001321812.1 and 6 more transcripts); c.520G>C, p.Val174Leu (NM_001321815.1); c.277G>C, p.Val93Leu (NM_001321817.2); short protein forms V93L, V212L, V174L.
Identifiers: ClinVar variation 3942327 (VCV003942327.1).
Genomic context (GRCh38, chr14:67,887,082, plus strand): 5'-ATTGAATCTTTGGAAGAAGAAATTATCTCAAAAGGAATTAAACTTGTGATTCTTGACTCT[G>C]TTGCTTCTGTGGTCAGAAAGGAGTTTGATGCACAACTTCAAGGCAATCTCAAAGAAAGAA-3'
Protein context (NP_598194.1, residues 202-222): KGIKLVILDS[Val212Leu]ASVVRKEFDA